The following is an entry in ClinVar:

NM_020937.4(FANCM):c.2261G>A (p.Arg754Gln)

Gene: FANCM (FA complementation group M; plus strand). Cytogenetic location: 14q21.2.
Variant type: single nucleotide variant.
Coding change: c.2261G>A on transcript NM_020937.4 (MANE Select); coding-DNA position 2261, G replaced by A.
Protein change: p.Arg754Gln; replaces arginine 754 with glutamine.
Molecular consequence: missense variant.
Genome position (GRCh38, 1-based): chr14:45,173,155, G>A. VCF-style: chr14-45173155-G-A. GRCh37 (hg19) VCF-style: chr14-45642358-G-A.
Other names: c.2183G>A, p.Arg728Gln (NM_001308133.2); short protein forms R754Q, R728Q.
Identifiers: ClinVar variation 861911 (VCV000861911.9), dbSNP rs529256568, ClinGen allele CA7169302.
Genomic context (GRCh38, chr14:45,173,155, plus strand): 5'-CTGAATGGAGACTGTGGCAAGATCATCCTTTGCCTACACATCAAGTTGATCACTCAGATC[G>A]ATGCCGCCATTTTATAGGCCTTATGCAAATGATAGAGGGAATGAGACACGAAGAGGTGGG-3'
Protein context (NP_065988.1, residues 744-764): LPTHQVDHSD[Arg754Gln]CRHFIGLMQM

ClinVar aggregate classification (germline): Uncertain significance. Review status: criteria provided, multiple submitters, no conflicts (2 of 4 stars). 2 submissions from 2 submitters: Uncertain significance (2). Last evaluated 2024-06-18.

Conditions:
Spermatogenic failure 28. Identifiers: MedGen C4748117, MONDO:0054732, OMIM 618086.
Premature ovarian failure 15. Identifiers: MedGen C4748170, MONDO:0054862, OMIM 618096.
Fanconi anemia (FA). Also called: Fanconi's anemia. Identifiers: Orphanet 84, MedGen C0015625, MeSH D005199, MONDO:0019391.

Allele frequency attached by ClinVar (database versions not stated): gnomAD 0.00001 and 0.00002; ExAC 0.00002; gnomAD exomes 0.00002 and 0.00005; TOPMed 0.00003; 1000 Genomes Project 30x 0.00016; 1000 Genomes Project 0.00020.
gnomAD v4.1: 81 of 1,613,654 alleles (0.005%); highest among the groups gnomAD compares: Non-Finnish European, 0.0064%; no homozygotes.

Submissions (2):

Fulgent Genetics
Classification: Uncertain significance for Spermatogenic failure 28; Premature ovarian failure 15. Last evaluated: 2024-06-18. Review status: criteria provided, single submitter. Criteria: ACMG Guidelines, 2015. Collection method: clinical testing. Allele origin: germline.

Labcorp Genetics (formerly Invitae), Labcorp
Classification: Uncertain significance for Fanconi anemia. Last evaluated: 2022-03-17. Review status: criteria provided, single submitter. Criteria: Invitae Variant Classification Sherloc (09022015). Collection method: clinical testing. Allele origin: germline.
Comment: This sequence change replaces arginine, which is basic and polar, with glutamine, which is neutral and polar, at codon 754 of the FANCM protein (p.Arg754Gln). This variant is present in population databases (rs529256568, gnomAD 0.008%). This variant has not been reported in the literature in individuals affected with FANCM-related conditions. ClinVar contains an entry for this variant (Variation ID: 861911). Algorithms developed to predict the effect of missense changes on protein structure and function are either unavailable or do not agree on the potential impact of this missense change (SIFT: "Deleterious"; PolyPhen-2: "Probably Damaging"; Align-GVGD: "Class C0"). In summary, the available evidence is currently insufficient to determine the role of this variant in disease. Therefore, it has been classified as a Variant of Uncertain Significance.